The following is an entry in ClinVar:

ClinVar aggregate classification (germline): Uncertain significance (1 of 4 stars; one submission).

Conditions:
Arrhythmogenic right ventricular dysplasia 11. Also called: ARRHYTHMOGENIC RIGHT VENTRICULAR DYSPLASIA, FAMILIAL, 11; Arrhythmogenic Right Ventricular Dysplasia/Cardiomyopathy11; Arrhythmogenic right ventricular dysplasia 11 with mild palmoplantar keratoderma and woolly hair. Identifiers: MedGen C1864850, MONDO:0012506, OMIM 610476.

Submission:

Labcorp Genetics (formerly Invitae), Labcorp
Classification: Uncertain significance for Arrhythmogenic right ventricular dysplasia 11. Last evaluated: 2024-08-06. Review status: criteria provided, single submitter. Criteria: Invitae Variant Classification Sherloc (09022015). Collection method: clinical testing. Allele origin: germline.
Comment: This variant, c.2368_2370dup, results in the insertion of 1 amino acid(s) of the DSC2 protein (p.Gly790dup), but otherwise preserves the integrity of the reading frame. This variant is not present in population databases (gnomAD no frequency). This variant has not been reported in the literature in individuals affected with DSC2-related conditions. In summary, the available evidence is currently insufficient to determine the role of this variant in disease. Therefore, it has been classified as a Variant of Uncertain Significance.

NM_024422.6(DSC2):c.2365GGA[3] (p.Gly790_His791insGly)

Gene: DSC2 (desmocollin 2; minus strand). Cytogenetic location: 18q12.1.
Variant type: Microsatellite.
Coding change: c.2365GGA[3] on transcript NM_024422.6 (MANE Select); three copies in a row of the 3-base unit GGA starting at c.2365; the reference has two copies in a row; one copy, 3 bases duplicated.
Protein change: p.Gly790_His791insGly.
Genome position (GRCh38, 1-based): chr18:31,069,032-31,069,034, TCC duplicated on the plus strand (GGA on the coding strand, the reverse complement: DSC2 is on the minus strand); duplicating any 3 consecutive bases within chr18:31,069,032-31,069,038 gives the same sequence; the position shown is the placement nearest the transcript's 3' end. VCF-style (leftmost placement, unchanged base first): chr18-31069031-G-GTCC. GRCh37 (hg19) VCF-style: chr18-28648997-G-GTCC.
Other names: c.1936GGA[3], p.Gly647_His648insGly (NM_001406506.1, NM_001406507.1); c.2365GGA[3], p.Gly790_His791insGly (NM_004949.5).
Identifiers: ClinVar variation 3660657 (VCV003660657.2).